The following is an entry in ClinVar:

NM_000059.4(BRCA2):c.5450C>G (p.Ser1817Cys)

Gene: BRCA2 (BRCA2 DNA repair associated; plus strand). Cytogenetic location: 13q13.1.
Variant type: single nucleotide variant.
Coding change: c.5450C>G on transcript NM_000059.4 (MANE Select); coding-DNA position 5450, C replaced by G.
Protein change: p.Ser1817Cys; replaces serine 1817 with cysteine.
Molecular consequence: missense variant.
Genome position (GRCh38, 1-based): chr13:32,339,805, C>G. VCF-style: chr13-32339805-C-G. GRCh37 (hg19) VCF-style: chr13-32913942-C-G.
Other names: short protein forms S1817C.
Identifiers: ClinVar variation 825747 (VCV000825747.15), dbSNP rs759741090, ClinGen allele CA6940871.
Genomic context (GRCh38, chr13:32,339,805, plus strand): 5'-CAAATGCATACCCACAAACTGTAAATGAAGATATTTGCGTTGAGGAACTTGTGACTAGCT[C>G]TTCACCCTGCAAAAATAAAAATGCAGCCATTAAATTGTCCATATCTAATAGTAATAATTT-3'
Protein context (NP_000050.3, residues 1807-1827): DICVEELVTS[Ser1817Cys]SPCKNKNAAI

ClinVar aggregate classification (germline): Conflicting classifications of pathogenicity. Review status: criteria provided, conflicting classifications (1 of 4 stars). 4 submissions from 4 submitters: Uncertain significance (3); Likely benign (1). Last evaluated 2025-10-03.

Conditions:
Hereditary breast ovarian cancer syndrome. Also called: Hereditary breast and ovarian cancer syndrome; Hereditary breast and ovarian cancer; Hereditary breast and ovarian cancer syndrome (HBOC); Breast and ovarian cancer; Hereditary breast and/or ovarian cancer syndrome; BRCA1- and BRCA2-Associated Hereditary Breast and Ovarian Cancer. Identifiers: Orphanet 145, MedGen C0677776, MeSH D061325, MONDO:0003582. Disease mechanism: loss of function.
Hereditary cancer-predisposing syndrome. Also called: Neoplastic Syndromes, Hereditary; Tumor predisposition; Hereditary neoplastic syndrome; Hereditary Cancer Syndrome. Identifiers: Orphanet 140162, MedGen C0027672, MeSH D009386, MONDO:0015356.

Allele frequency attached by ClinVar (database versions not stated): gnomAD exomes below 0.00001; TOPMed below 0.00001; ExAC 0.00001; gnomAD 0.00001.
gnomAD v4.1: 2 of 1,613,740 alleles (0.00012%); highest among the groups gnomAD compares: African/African-American, 0.0027%; no homozygotes.

Submissions (4):

Color Diagnostics, LLC DBA Color Health
Classification: Uncertain significance for Hereditary cancer-predisposing syndrome. Last evaluated: 2025-10-03. Review status: criteria provided, single submitter. Criteria: ACMG Guidelines, 2015. Collection method: clinical testing. Allele origin: germline.
Comment: This missense variant replaces serine with cysteine at codon 1817 of the BRCA2 protein. Computational prediction suggests that this variant may not impact protein structure and function. To our knowledge, functional studies have not been reported for this variant. This variant has not been reported in individuals affected with BRCA2-related disorders in the literature. This variant has been identified in 2/152168 chromosomes in the general population by the Genome Aggregation Database (gnomAD). The available evidence is insufficient to determine the role of this variant in disease conclusively. Therefore, this variant is classified as a Variant of Uncertain Significance.

Ambry Genetics
Classification: Uncertain significance for Hereditary cancer-predisposing syndrome. Last evaluated: 2025-01-15. Review status: criteria provided, single submitter. Criteria: Ambry Variant Classification Scheme 2023. Collection method: clinical testing. Allele origin: germline.
Comment: The p.S1817C variant (also known as c.5450C>G), located in coding exon 10 of the BRCA2 gene, results from a C to G substitution at nucleotide position 5450. The serine at codon 1817 is replaced by cysteine, an amino acid with dissimilar properties. This amino acid position is not well conserved in available vertebrate species. In addition, this alteration is predicted to be tolerated by in silico analysis. Since supporting evidence is limited at this time, the clinical significance of this alteration remains unclear.

University of Washington Department of Laboratory Medicine, University of Washington
Classification: Likely benign for Hereditary cancer-predisposing syndrome. Last evaluated: 2023-03-23. Review status: criteria provided, single submitter. Criteria: Dines et al. (Genet Med. 2020). Collection method: curation. Allele origin: germline.
Comment: Missense variant in a coldspot region where missense variants are very unlikely to be pathogenic (PMID:31911673).

BRCA2 exon 11 coldspot. Reclassification based on statistical prior probability.

Labcorp Genetics (formerly Invitae), Labcorp
Classification: Uncertain significance for Hereditary breast ovarian cancer syndrome. Last evaluated: 2022-03-21. Review status: criteria provided, single submitter. Criteria: Invitae Variant Classification Sherloc (09022015). Collection method: clinical testing. Allele origin: germline.
Comment: This variant has not been reported in the literature in individuals affected with BRCA2-related conditions. ClinVar contains an entry for this variant (Variation ID: 825747). Advanced modeling of protein sequence and biophysical properties (such as structural, functional, and spatial information, amino acid conservation, physicochemical variation, residue mobility, and thermodynamic stability) performed at Invitae indicates that this missense variant is not expected to disrupt BRCA2 protein function. In summary, the available evidence is currently insufficient to determine the role of this variant in disease. Therefore, it has been classified as a Variant of Uncertain Significance. This sequence change replaces serine, which is neutral and polar, with cysteine, which is neutral and slightly polar, at codon 1817 of the BRCA2 protein (p.Ser1817Cys). This variant is present in population databases (rs759741090, gnomAD 0.008%).